The following is an entry in ClinVar:

NM_001063.4(TF):c.-2A>G

Gene: TF (transferrin; plus strand). Cytogenetic location: 3q22.1.
Variant type: single nucleotide variant.
Coding change: c.-2A>G on transcript NM_001063.4 (MANE Select); 2 bases upstream of the start codon, A replaced by G.
Molecular consequence: 5 prime UTR variant. On other transcripts: intron variant (1).
Genome position (GRCh38, 1-based): chr3:133,746,439, A>G. VCF-style: chr3-133746439-A-G. GRCh37 (hg19) VCF-style: chr3-133465283-A-G.
Other names: c.-210A>G (NM_001354704.2); c.-89-1973A>G (NM_001354703.2).
Identifiers: ClinVar variation 343422 (VCV000343422.12), dbSNP rs1130459, ClinGen allele CA2624824.

ClinVar aggregate classification (germline): Benign. Review status: criteria provided, multiple submitters, no conflicts (2 of 4 stars). 5 submissions from 5 submitters: Benign (3). 2 of the submissions do not count toward it. Last evaluated 2018-09-25.

Conditions:
Atransferrinemia. Also called: Familial hypotransferrinemia. Identifiers: Orphanet 1195, MedGen C0521802, MONDO:0008846, OMIM 209300, HP:0012239.

Allele frequency attached by ClinVar (database versions not stated): gnomAD 0.57926 and 0.58625; ExAC 0.62293; gnomAD exomes 0.55582 and 0.60002; TOPMed 0.59766; ESP Exome Variant Server 0.57509; 1000 Genomes Project 0.66613; 1000 Genomes Project 30x 0.66677.
gnomAD v4.1: 892,448 of 1,597,522 alleles (56%); highest among the groups gnomAD compares: East Asian, 76%; 253,921 homozygotes.

Submissions (5):

Mayo Clinic Laboratories, Mayo Clinic
Classification: Benign. Last evaluated: 2018-09-25. Review status: criteria provided, single submitter. Criteria: ACMG Guidelines, 2015. Collection method: clinical testing. Allele origin: germline. Observed: 31 variant alleles.

Illumina Laboratory Services, Illumina
Classification: Benign for Atransferrinemia. Last evaluated: 2018-01-13. Review status: criteria provided, single submitter. Criteria: ICSL Variant Classification Criteria 13 December 2019. Collection method: clinical testing. Allele origin: germline.
Comment: This variant was observed in the ICSL laboratory as part of a predisposition screen in an ostensibly healthy population. It had not been previously curated by ICSL or reported in the Human Gene Mutation Database (HGMD: prior to June 1st, 2018), and was therefore a candidate for classification through an automated scoring system. Utilizing variant allele frequency, disease prevalence and penetrance estimates, and inheritance mode, an automated score was calculated to assess if this variant is too frequent to cause the disease. Based on the score and internal cut-off values, a variant classified as benign is not then subjected to further curation. The score for this variant resulted in a classification of benign for this disease.

Breakthrough Genomics
Classification: Benign. Review status: criteria provided, single submitter. Criteria: ACMG Guidelines, 2015. Collection method: not provided. Allele origin: germline. Inheritance: Autosomal recessive inheritance. Affected: yes.

Diagnostic Laboratory, Department of Genetics, University Medical Center Groningen
Classification: Benign. Review status: no assertion criteria provided. Collection method: clinical testing. Allele origin: germline. Affected: yes. Study: VKGL Data-share Consensus. Not counted in ClinVar's aggregate classification.

Joint Genome Diagnostic Labs from Nijmegen and Maastricht, Radboudumc and MUMC+
Classification: Benign. Review status: no assertion criteria provided. Collection method: clinical testing. Allele origin: germline. Affected: yes. Study: VKGL Data-share Consensus. Not counted in ClinVar's aggregate classification.